The following is an entry in ClinVar:

ClinVar aggregate classification (germline): Uncertain significance (1 of 4 stars; one submission).

Conditions:
Familial infantile myasthenia (CMS6). Also called: MYASTHENIC SYNDROME, CONGENITAL, 6, PRESYNAPTIC; MYASTHENIC SYNDROME, PRESYNAPTIC, CONGENITAL, ASSOCIATED WITH EPISODIC APNEA; Congenital myasthenic syndrome type 6. Identifiers: Orphanet 590, MedGen C0393929, MONDO:0009689, OMIM 254210.

Allele frequency attached by ClinVar (database versions not stated): gnomAD 0.00001 and 0.00002; gnomAD exomes 0.00002 and 0.00003; TOPMed 0.00002.
gnomAD v4.1: 44 of 1,548,376 alleles (0.0028%); highest among the groups gnomAD compares: Non-Finnish European, 0.0038%; no homozygotes.

Submission:

Labcorp Genetics (formerly Invitae), Labcorp
Classification: Uncertain significance for Familial infantile myasthenia. Last evaluated: 2022-07-06. Review status: criteria provided, single submitter. Criteria: Invitae Variant Classification Sherloc (09022015). Collection method: clinical testing. Allele origin: germline.
Comment: This sequence change replaces cysteine, which is neutral and slightly polar, with tyrosine, which is neutral and polar, at codon 35 of the CHAT protein (p.Cys35Tyr). This variant is present in population databases (no rsID available, gnomAD 0.006%). This variant has not been reported in the literature in individuals affected with CHAT-related conditions. ClinVar contains an entry for this variant (Variation ID: 1011983). Advanced modeling of protein sequence and biophysical properties (such as structural, functional, and spatial information, amino acid conservation, physicochemical variation, residue mobility, and thermodynamic stability) performed at Invitae indicates that this missense variant is not expected to disrupt CHAT protein function. In summary, the available evidence is currently insufficient to determine the role of this variant in disease. Therefore, it has been classified as a Variant of Uncertain Significance.

NM_020549.5(CHAT):c.104G>A (p.Cys35Tyr)

Gene: CHAT (choline O-acetyltransferase; plus strand). Cytogenetic location: 10q11.23.
Variant type: single nucleotide variant.
Coding change: c.104G>A on transcript NM_020549.5 (MANE Select); coding-DNA position 104, G replaced by A.
Protein change: p.Cys35Tyr; replaces cysteine 35 with tyrosine.
Molecular consequence: missense variant. On other transcripts: 5 prime UTR variant (3), intron variant (3).
Genome position (GRCh38, 1-based): chr10:49,614,293, G>A. VCF-style: chr10-49614293-G-A. GRCh37 (hg19) VCF-style: chr10-50822339-G-A.
Other names: c.-251G>A (NM_001142929.2); c.-213G>A (NM_001142933.2); c.-321G>A (NM_001142934.2); c.-68-2209G>A (NM_020984.4); c.-240-11G>A (NM_020985.4); c.-69+1091G>A (NM_020986.4); short protein forms C35Y.
Identifiers: ClinVar variation 1011983 (VCV001011983.6), dbSNP rs1004933171, ClinGen allele CA206622852.